The following is an entry in ClinVar:

ClinVar aggregate classification (germline): Uncertain significance. Review status: criteria provided, single submitter (1 of 4 stars). 2 submissions from 2 submitters: Uncertain significance (1). 1 of the submissions does not count toward it. Last evaluated 2025-11-10.

Conditions:
Rhizomelic chondrodysplasia punctata (RCDP). Identifiers: Orphanet 177, MedGen C0282529, MONDO:0015776. Disease mechanism: loss of function.
Peroxisome biogenesis disorder 9B. Also called: PEX7-Related Refsum Disease; PEROXISOME BIOGENESIS DISORDER, PEX7-RELATED, ATYPICAL; Refsum disease, adult, 2. Identifiers: Orphanet 773, MedGen C2749346, MONDO:0013945, OMIM 614879.

Allele frequency attached by ClinVar (database versions not stated): gnomAD exomes 0.00001 and 0.00002; ExAC 0.00002.
gnomAD v4.1: 15 of 1,613,996 alleles (0.00093%); highest among the groups gnomAD compares: Non-Finnish European, 0.0012%; no homozygotes.

Submissions (2):

Labcorp Genetics (formerly Invitae), Labcorp
Classification: Uncertain significance for Peroxisome biogenesis disorder 9B. Last evaluated: 2025-11-10. Review status: criteria provided, single submitter. Criteria: Invitae Variant Classification Sherloc (09022015). Collection method: clinical testing. Allele origin: germline.
Comment: This sequence change replaces valine, which is neutral and non-polar, with isoleucine, which is neutral and non-polar, at codon 82 of the PEX7 protein (p.Val82Ile). This variant is present in population databases (rs770777194, gnomAD 0.004%). This variant has not been reported in the literature in individuals affected with PEX7-related conditions. ClinVar contains an entry for this variant (Variation ID: 970501). An algorithm developed to predict the effect of missense changes on protein structure and function outputs the following: PolyPhen-2: "Benign". The isoleucine amino acid residue is found in multiple mammalian species, which suggests that this missense change does not adversely affect protein function. In summary, the available evidence is currently insufficient to determine the role of this variant in disease. Therefore, it has been classified as a Variant of Uncertain Significance.

Natera, Inc.
Classification: Uncertain significance for Rhizomelic Chondrodysplasia Punctata. Last evaluated: 2019-08-07. Review status: no assertion criteria provided. Collection method: clinical testing. Allele origin: germline. Not counted in ClinVar's aggregate classification.

NM_000288.4(PEX7):c.244G>A (p.Val82Ile)

Gene: PEX7 (peroxisomal biogenesis factor 7; plus strand). Cytogenetic location: 6q23.3.
Variant type: single nucleotide variant.
Coding change: c.244G>A on transcript NM_000288.4 (MANE Select); coding-DNA position 244, G replaced by A.
Protein change: p.Val82Ile; replaces valine 82 with isoleucine.
Molecular consequence: missense variant.
Genome position (GRCh38, 1-based): chr6:136,826,374, G>A. VCF-style: chr6-136826374-G-A. GRCh37 (hg19) VCF-style: chr6-137147512-G-A.
Other names: short protein forms V82I.
Identifiers: ClinVar variation 970501 (VCV000970501.9), dbSNP rs770777194, ClinGen allele CA4017537.